The following is an entry in ClinVar:

ClinVar aggregate classification (germline): Conflicting classifications of pathogenicity. Review status: criteria provided, conflicting classifications (1 of 4 stars). 2 submissions from 2 submitters: Uncertain significance (1); Likely benign (1). Last evaluated 2024-02-05.

Allele frequency attached by ClinVar (database versions not stated): ExAC 0.00002; gnomAD exomes 0.00002; TOPMed 0.00002; gnomAD 0.00004; 1000 Genomes Project 30x 0.00016; 1000 Genomes Project 0.00020.
gnomAD v4.1: 33 of 1,614,208 alleles (0.002%); highest among the groups gnomAD compares: Middle Eastern, 0.016%; no homozygotes.

Submissions (2):

Labcorp Genetics (formerly Invitae), Labcorp
Classification: Uncertain significance. Last evaluated: 2024-02-05. Review status: criteria provided, single submitter. Criteria: Invitae Variant Classification Sherloc (09022015). Collection method: clinical testing. Allele origin: germline.
Comment: This sequence change replaces asparagine, which is neutral and polar, with serine, which is neutral and polar, at codon 987 of the ADNP protein (p.Asn987Ser). This variant is present in population databases (rs568101760, gnomAD 0.01%). This variant has not been reported in the literature in individuals affected with ADNP-related conditions. ClinVar contains an entry for this variant (Variation ID: 2075479). An algorithm developed to predict the effect of missense changes on protein structure and function (PolyPhen-2) suggests that this variant is likely to be tolerated. In summary, the available evidence is currently insufficient to determine the role of this variant in disease. Therefore, it has been classified as a Variant of Uncertain Significance.

Blueprint Genetics
Classification: Likely benign. Last evaluated: 2022-10-27. Review status: criteria provided, single submitter. Criteria: ACMG Guidelines, 2015. Collection method: clinical testing. Allele origin: germline.

NM_001282531.3(ADNP):c.2960A>G (p.Asn987Ser)

Gene: ADNP (activity dependent neuroprotector homeobox; minus strand). Cytogenetic location: 20q13.13.
Variant type: single nucleotide variant.
Coding change: c.2960A>G on transcript NM_001282531.3 (MANE Select); coding-DNA position 2960, A replaced by G.
Protein change: p.Asn987Ser; replaces asparagine 987 with serine.
Molecular consequence: missense variant.
Genome position (GRCh38, 1-based): chr20:50,891,754, T>C on the plus strand (A>G on the coding strand, the complement: ADNP is on the minus strand). VCF-style: chr20-50891754-T-C. GRCh37 (hg19) VCF-style: chr20-49508291-T-C.
Other names: c.2960A>G, p.Asn987Ser (NM_001282532.2, NM_001347511.2, NM_015339.5 and 1 more transcripts); short protein forms N987S.
Identifiers: ClinVar variation 2075479 (VCV002075479.5), dbSNP rs568101760, ClinGen allele CA9908483.